The following is an entry in ClinVar:

NM_001378454.1(ALMS1):c.2721C>T (p.Phe907=)

Gene: ALMS1 (ALMS1 centrosome and basal body associated protein; plus strand). Cytogenetic location: 2p13.1.
Variant type: single nucleotide variant.
Coding change: c.2721C>T on transcript NM_001378454.1 (MANE Select); coding-DNA position 2721, C replaced by T.
Protein change: p.Phe907=; no amino-acid change (phenylalanine 907 retained).
Molecular consequence: synonymous variant.
Genome position (GRCh38, 1-based): chr2:73,449,248, C>T. VCF-style: chr2-73449248-C-T. GRCh37 (hg19) VCF-style: chr2-73676375-C-T.
Other names: c.2724C>T, p.Phe908= (NM_015120.4).
Identifiers: ClinVar variation 1129654 (VCV001129654.17), dbSNP rs2103776271, ClinGen allele CA427020070.

ClinVar aggregate classification (germline): Likely benign. Review status: criteria provided, multiple submitters, no conflicts (2 of 4 stars). 3 submissions from 3 submitters: Likely benign (3). Last evaluated 2025-04-01.

Conditions:
Cardiovascular phenotype. Identifiers: MedGen CN230736.
Alstrom syndrome (ALMS). Identifiers: Orphanet 64, MedGen C0268425, MONDO:0008763, OMIM 203800.

Submissions (3):

CeGaT Center for Human Genetics Tuebingen
Classification: Likely benign. Last evaluated: 2025-04-01. Review status: criteria provided, single submitter. Criteria: CeGaT Center For Human Genetics Tuebingen Variant Classification Criteria Version 2. Collection method: clinical testing. Allele origin: germline. Affected: yes. Observed: 1 variant allele.
Comment: ALMS1: PM2:Supporting, BP4, BP7

Ambry Genetics
Classification: Likely benign for Cardiovascular phenotype. Last evaluated: 2024-04-07. Review status: criteria provided, single submitter. Criteria: Ambry Variant Classification Scheme 2023. Collection method: clinical testing. Allele origin: germline.

Labcorp Genetics (formerly Invitae), Labcorp
Classification: Likely benign for Alstrom syndrome. Last evaluated: 2023-10-06. Review status: criteria provided, single submitter. Criteria: Invitae Variant Classification Sherloc (09022015). Collection method: clinical testing. Allele origin: germline.